The following is an entry in ClinVar:

NM_001098486.2(SLC17A3):c.1407C>T (p.Ala469=)

Gene: SLC17A3 (solute carrier family 17 member 3; minus strand). Cytogenetic location: 6p22.2.
Variant type: single nucleotide variant.
Coding change: c.1407C>T on transcript NM_001098486.2 (MANE Select); coding-DNA position 1407, C replaced by T.
Protein change: p.Ala469=; no amino-acid change (alanine 469 retained).
Molecular consequence: synonymous variant.
Genome position (GRCh38, 1-based): chr6:25,845,472, G>A on the plus strand (C>T on the coding strand, the complement: SLC17A3 is on the minus strand). VCF-style: chr6-25845472-G-A. GRCh37 (hg19) VCF-style: chr6-25845700-G-A.
Other names: c.1173C>T, p.Ala391= (NM_006632.4).
Identifiers: ClinVar variation 3044906 (VCV003044906.2), dbSNP rs116732075, ClinGen allele CA3662877.
Genomic context (GRCh38, chr6:25,845,472, plus strand): 5'-CCATTCTTGGACATCTGCTTCTCCAAATATGAGGTAGAAGAGTAGTCCTAACAGGTTAAC[G>A]GCAAACAGCAAGAAGAAGACATTCCTCCACCCAAACTCAGGGTCCTGGAGACACAAAACC-3'
Protein context (NP_001091956.1, residues 459-479): GWRNVFFLLF[Ala469=]VNLLGLLFYL

ClinVar aggregate classification (germline): Benign (0 of 4 stars; one submission).

Conditions:
SLC17A3-related disorder. Also called: SLC17A3-related condition.

Allele frequency attached by ClinVar (database versions not stated): ESP Exome Variant Server 0.00015; TOPMed 0.00164; gnomAD 0.00166; gnomAD exomes 0.00167; ExAC 0.00555; 1000 Genomes Project 0.00699; 1000 Genomes Project 30x 0.00703.

Submission:

PreventionGenetics, part of Exact Sciences
Classification: Benign for SLC17A3-related condition. Last evaluated: 2019-03-18. Review status: no assertion criteria provided. Collection method: clinical testing. Allele origin: germline.
Comment: This variant is classified as benign based on ACMG/AMP sequence variant interpretation guidelines (Richards et al. 2015 PMID: 25741868, with internal and published modifications).